The following is an entry in ClinVar:

ClinVar aggregate classification (germline): Uncertain significance (1 of 4 stars; one submission).

Allele frequency attached by ClinVar (database versions not stated): ExAC 0.00001; TOPMed 0.00001.
gnomAD v4.1: 15 of 1,603,126 alleles (0.00094%); highest among the groups gnomAD compares: East Asian, 0.0045%; no homozygotes.

Submission:

GeneDx
Classification: Uncertain significance. Last evaluated: 2019-10-20. Review status: criteria provided, single submitter. Criteria: GeneDx Variant Classification Process June 2021. Collection method: clinical testing. Allele origin: germline. Affected: yes.
Comment: In silico analysis, which includes protein predictors and evolutionary conservation, supports a deleterious effect; Has not been previously published as pathogenic or benign to our knowledge

NM_004977.3(KCNC3):c.1693C>T (p.Arg565Trp)

Gene: KCNC3 (potassium voltage-gated channel subfamily C member 3; minus strand). Cytogenetic location: 19q13.33.
Variant type: single nucleotide variant.
Coding change: c.1693C>T on transcript NM_004977.3 (MANE Select); coding-DNA position 1693, C replaced by T.
Protein change: p.Arg565Trp; replaces arginine 565 with tryptophan.
Molecular consequence: missense variant.
Genome position (GRCh38, 1-based): chr19:50,323,260, G>A on the plus strand (C>T on the coding strand, the complement: KCNC3 is on the minus strand). VCF-style: chr19-50323260-G-A. GRCh37 (hg19) VCF-style: chr19-50826517-G-A.
Other names: c.1465C>T, p.Arg489Trp (NM_001372305.1); short protein forms R565W, R489W.
Identifiers: ClinVar variation 424152 (VCV000424152.3), dbSNP rs750349505, ClinGen allele CA9594192.